The following is an entry in ClinVar:

NM_001379500.1(COL18A1):c.3340C>T (p.Arg1114Trp)

Genes: COL18A1 (collagen type XVIII alpha 1 chain; plus strand), SLC19A1 (solute carrier family 19 member 1; minus strand). Cytogenetic location: 21q22.3.
Variant type: single nucleotide variant.
Coding change: c.3340C>T on transcript NM_001379500.1 (MANE Select); coding-DNA position 3340, C replaced by T.
Protein change: p.Arg1114Trp; replaces arginine 1114 with tryptophan.
Molecular consequence: missense variant.
Genome position (GRCh38, 1-based): chr21:45,509,446, C>T. VCF-style: chr21-45509446-C-T. GRCh37 (hg19) VCF-style: chr21-46929360-C-T.
Other names: c.3871C>T, p.Arg1291Trp (NM_030582.4); c.4576C>T, p.Arg1526Trp (NM_130444.3); c.3871C>T (NM_030582.3); short protein forms R1526W, R1291W, R1114W.
Identifiers: ClinVar variation 1421515 (VCV001421515.5), dbSNP rs749258477, ClinGen allele CA10067863.

ClinVar aggregate classification (germline): Uncertain significance. Review status: criteria provided, multiple submitters, no conflicts (2 of 4 stars). 2 submissions from 2 submitters: Uncertain significance (2). Last evaluated 2024-12-17.

Conditions:
COL18A1-related disorder. Also called: COL18A1-related disorders; COL18A1-related condition.

Allele frequency attached by ClinVar (database versions not stated): gnomAD exomes 0.00001 and 0.00004; gnomAD 0.00002 and 0.00003; TOPMed 0.00004; ExAC 0.00009.
gnomAD v4.1: 20 of 1,533,308 alleles (0.0013%); highest among the groups gnomAD compares: Middle Eastern, 0.02%; no homozygotes.

Submissions (2):

PreventionGenetics, part of Exact Sciences
Classification: Uncertain significance for COL18A1-related condition. Last evaluated: 2024-12-17. Review status: criteria provided, single submitter. Criteria: ACMG Guidelines, 2015. Collection method: clinical testing. Allele origin: germline.
Comment: The COL18A1 c.3871C>T variant is predicted to result in the amino acid substitution p.Arg1291Trp. To our knowledge, this variant has not been reported in the literature. This variant is reported in 0.016% of alleles in individuals of African descent in gnomAD. At this time, the clinical significance of this variant is uncertain due to the absence of conclusive functional and genetic evidence.

Labcorp Genetics (formerly Invitae), Labcorp
Classification: Uncertain significance. Last evaluated: 2023-06-24. Review status: criteria provided, single submitter. Criteria: Invitae Variant Classification Sherloc (09022015). Collection method: clinical testing. Allele origin: germline.
Comment: In summary, the available evidence is currently insufficient to determine the role of this variant in disease. Therefore, it has been classified as a Variant of Uncertain Significance. Experimental studies and prediction algorithms are not available or were not evaluated, and the functional significance of this variant is currently unknown. ClinVar contains an entry for this variant (Variation ID: 1421515). This variant has not been reported in the literature in individuals affected with COL18A1-related conditions. This variant is present in population databases (rs749258477, gnomAD 0.02%). This sequence change replaces arginine, which is basic and polar, with tryptophan, which is neutral and slightly polar, at codon 1111 of the COL18A1 protein (p.Arg1111Trp).